The following is an entry in ClinVar:

NM_001127496.3(SPRY4):c.492G>A (p.Lys164=)

Gene: SPRY4 (sprouty RTK signaling antagonist 4; minus strand). Cytogenetic location: 5q31.3.
Variant type: single nucleotide variant.
Coding change: c.492G>A on transcript NM_001127496.3 (MANE Select); coding-DNA position 492, G replaced by A.
Protein change: p.Lys164=; no amino-acid change (lysine 164 retained).
Molecular consequence: synonymous variant.
Genome position (GRCh38, 1-based): chr5:142,314,617, C>T on the plus strand (G>A on the coding strand, the complement: SPRY4 is on the minus strand). VCF-style: chr5-142314617-C-T. GRCh37 (hg19) VCF-style: chr5-141694182-C-T.
Other names: c.492G>A, p.Lys164= (NM_001293289.3, NM_001293290.3); c.561G>A, p.Lys187= (NM_030964.5).
Identifiers: ClinVar variation 3029350 (VCV003029350.2), dbSNP rs775239777, ClinGen allele CA3485534.

ClinVar aggregate classification (germline): Likely benign (0 of 4 stars; one submission).

Conditions:
SPRY4-related disorder. Also called: SPRY4-related condition.

Allele frequency attached by ClinVar (database versions not stated): ExAC 0.00001; gnomAD 0.00003; TOPMed 0.00003.
gnomAD v4.1: 74 of 1,614,132 alleles (0.0046%); highest among the groups gnomAD compares: Non-Finnish European, 0.006%; no homozygotes.

Submission:

PreventionGenetics, part of Exact Sciences
Classification: Likely benign for SPRY4-related condition. Last evaluated: 2022-11-15. Review status: no assertion criteria provided. Collection method: clinical testing. Allele origin: germline.
Comment: This variant is classified as likely benign based on ACMG/AMP sequence variant interpretation guidelines (Richards et al. 2015 PMID: 25741868, with internal and published modifications).